The following is an entry in ClinVar:

ClinVar aggregate classification (germline): Uncertain significance. Review status: criteria provided, multiple submitters, no conflicts (2 of 4 stars). 2 submissions from 2 submitters: Uncertain significance (2). Last evaluated 2023-04-03.

Conditions:
Familial isolated arrhythmogenic right ventricular dysplasia. Identifiers: Orphanet 217656, MedGen C4274968, MONDO:0016342.
Arrhythmogenic right ventricular dysplasia 11. Also called: Arrhythmogenic Right Ventricular Dysplasia/Cardiomyopathy11; ARRHYTHMOGENIC RIGHT VENTRICULAR DYSPLASIA, FAMILIAL, 11; Arrhythmogenic right ventricular dysplasia 11 with mild palmoplantar keratoderma and woolly hair. Identifiers: MedGen C1864850, MONDO:0012506, OMIM 610476.

Allele frequency attached by ClinVar (database versions not stated): TOPMed below 0.00001; gnomAD exomes 0.00001.
gnomAD v4.1: 6 of 1,613,978 alleles (0.00037%); highest among the groups gnomAD compares: Non-Finnish European, 0.00051%; no homozygotes.

Submissions (2):

All of Us Research Program, National Institutes of Health
Classification: Uncertain significance for Familial isolated arrhythmogenic right ventricular dysplasia. Last evaluated: 2023-04-03. Review status: criteria provided, single submitter. Criteria: ACMG Guidelines, 2015. Collection method: clinical testing. Allele origin: germline. Inheritance: Autosomal dominant inheritance. Observed: 1 variant allele, 1 heterozygote.
Comment: This missense variant replaces tryptophan with arginine at codon 623 of the DSC2 protein. Computational prediction is inconclusive regarding the impact of this variant on protein structure and function (internally defined REVEL score threshold 0.5 < inconclusive < 0.7, PMID: 27666373). To our knowledge, functional studies have not been reported for this variant. This variant has not been reported in individuals affected with DSC2-related disorders in the literature. This variant has not been identified in the general population by the Genome Aggregation Database (gnomAD). The available evidence is insufficient to determine the role of this variant in disease conclusively. Therefore, this variant is classified as a Variant of Uncertain Significance.

This study involves interpretation of variants in research participants for the purpose of population health screening. Participant phenotype was not available at the time of variant classification. Additional details can be found in publication PMID: 35346344, PMCID: PMC8962531

Labcorp Genetics (formerly Invitae), Labcorp
Classification: Uncertain significance for Arrhythmogenic right ventricular dysplasia 11. Last evaluated: 2022-08-22. Review status: criteria provided, single submitter. Criteria: Invitae Variant Classification Sherloc (09022015). Collection method: clinical testing. Allele origin: germline.
Comment: In summary, the available evidence is currently insufficient to determine the role of this variant in disease. Therefore, it has been classified as a Variant of Uncertain Significance. Algorithms developed to predict the effect of missense changes on protein structure and function (SIFT, PolyPhen-2, Align-GVGD) all suggest that this variant is likely to be disruptive. This variant has not been reported in the literature in individuals affected with DSC2-related conditions. This variant is not present in population databases (gnomAD no frequency). This sequence change replaces tryptophan, which is neutral and slightly polar, with arginine, which is basic and polar, at codon 623 of the DSC2 protein (p.Trp623Arg).

NM_024422.6(DSC2):c.1867T>C (p.Trp623Arg)

Gene: DSC2 (desmocollin 2; minus strand). Cytogenetic location: 18q12.1.
Variant type: single nucleotide variant.
Coding change: c.1867T>C on transcript NM_024422.6 (MANE Select); coding-DNA position 1867, T replaced by C.
Protein change: p.Trp623Arg; replaces tryptophan 623 with arginine.
Molecular consequence: missense variant.
Genome position (GRCh38, 1-based): chr18:31,074,704, A>G on the plus strand (T>C on the coding strand, the complement: DSC2 is on the minus strand). VCF-style: chr18-31074704-A-G. GRCh37 (hg19) VCF-style: chr18-28654670-A-G.
Other names: c.1438T>C, p.Trp480Arg (NM_001406506.1, NM_001406507.1); c.1867T>C, p.Trp623Arg (NM_004949.5); short protein forms W480R, W623R.
Identifiers: ClinVar variation 1956930 (VCV001956930.6), dbSNP rs764869958, ClinGen allele CA297690720.
Genomic context (GRCh38, chr18:31,074,704, plus strand): 5'-GATGTTGAAAAGGACAAAGCAATTTTCAAAAATATATACCATTAATTGCTTTCAGTCTCC[A>G]CATTCTCTGTACTTCTGAAGTAGAACTCTCCAGACTAAAGTCAAAGGGTGGGCCATGGAT-3'
Protein context (NP_077740.1, residues 613-633): ESSTSEVQRM[Trp623Arg]RLKAINDTAA